The following is an entry in ClinVar:

NM_000548.5(TSC2):c.4216G>T (p.Asp1406Tyr)

Gene: TSC2 (TSC complex subunit 2; plus strand). Cytogenetic location: 16p13.3.
Variant type: single nucleotide variant.
Coding change: c.4216G>T on transcript NM_000548.5 (MANE Select); coding-DNA position 4216, G replaced by T.
Protein change: p.Asp1406Tyr; replaces aspartic acid 1406 with tyrosine.
Molecular consequence: missense variant.
Genome position (GRCh38, 1-based): chr16:2,084,438, G>T. VCF-style: chr16-2084438-G-T. GRCh37 (hg19) VCF-style: chr16-2134439-G-T.
Other names: c.4015G>T, p.Asp1339Tyr (NM_001077183.3); c.4147G>T, p.Asp1383Tyr (NM_001114382.3); c.3907G>T, p.Asp1303Tyr (NM_001318827.2); c.3871G>T, p.Asp1291Tyr (NM_001318829.2); c.3484G>T, p.Asp1162Tyr (NM_001318831.2); c.4048G>T, p.Asp1350Tyr (NM_001318832.2); c.4018G>T, p.Asp1340Tyr (NM_001363528.2); c.4084G>T, p.Asp1362Tyr (NM_001370404.1); and 2 more; short protein forms D1406Y, D1162Y, D1363Y, D1340Y, D1383Y, D1303Y, D1350Y, D1291Y.
Identifiers: ClinVar variation 406008 (VCV000406008.73), dbSNP rs147719291, ClinGen allele CA050670.

ClinVar aggregate classification (germline): Conflicting classifications of pathogenicity. Review status: criteria provided, conflicting classifications (1 of 4 stars). 14 submissions from 14 submitters: Uncertain significance (4); Likely benign (10). Last evaluated 2026-03-13.

Conditions:
Hereditary cancer-predisposing syndrome. Also called: Neoplastic Syndromes, Hereditary; Hereditary neoplastic syndrome; Tumor predisposition; Hereditary Cancer Syndrome. Identifiers: Orphanet 140162, MedGen C0027672, MeSH D009386, MONDO:0015356.
Tuberous sclerosis 2 (TSC2). Identifiers: Orphanet 805, MedGen C1860707, MONDO:0013199, OMIM 613254.
TSC2-related disorder. Also called: TSC2-related condition; TSC2-Related Disorders.
Tuberous sclerosis syndrome (TSC). Also called: Tuberous Sclerosis Complex; Tuberous sclerosis. Identifiers: Orphanet 805, MedGen C0041341, MONDO:0001734.

Allele frequency attached by ClinVar (database versions not stated): TOPMed 0.00004.

Submissions (14):

Women's Health and Genetics/Laboratory Corporation of America, LabCorp
Classification: Likely benign. Last evaluated: 2026-03-13. Review status: criteria provided, single submitter. Criteria: LabCorp Variant Classification Summary - May 2015. Collection method: clinical testing. Allele origin: germline.
Comment: Variant summary: TSC2 c.4216G>T (p.Asp1406Tyr) results in a non-conservative amino acid change in the encoded protein sequence. Algorithms developed to predict the effect of missense changes on protein structure and function are either unavailable or do not agree on the potential impact of this missense change. The variant allele was found at a frequency of 3.3e-05 in 240830 control chromosomes. The available data on variant occurrences in the general population suggests that this variant might be benign for this severe and early onset congenital disorder. To our knowledge, no occurrence of c.4216G>T in individuals affected with TSC2-related conditions and no experimental evidence demonstrating its impact on protein function have been reported. ClinVar contains an entry for this variant (Variation ID: 406008). Based on the evidence outlined above, the variant was classified as likely benign.

Labcorp Genetics (formerly Invitae), Labcorp
Classification: Likely benign for Tuberous sclerosis 2. Last evaluated: 2026-01-26. Review status: criteria provided, single submitter. Criteria: Invitae Variant Classification Sherloc (09022015). Collection method: clinical testing. Allele origin: germline.

Clinical Genomics Laboratory, Washington University in St. Louis
Classification: Uncertain significance for Tuberous sclerosis 2. Last evaluated: 2025-11-07. Review status: criteria provided, single submitter. Criteria: ACMG Guidelines, 2015. Collection method: clinical testing. Allele origin: germline.
Comment: A TSC2 c.4216G>T (p.Asp1406Tyr) variant was identified at a near heterozygous allelic fraction of 48.3%, a frequency which may be consistent with it being of germline origin. The TSC2 c.4216G>T (p.Asp1406Tyr) variant, to our knowledge, has not been reported in the medical literature. This variant has been reported in the ClinVar database as a germline variant of uncertain significance by three and likely benign by six submitters (ClinVar Variation ID: 406008). This variant is observed in 94/1,609,344 alleles in the general population (gnomAD v4.1.0). Computational predictors are uncertain as to the impact of this variant on TSC2 function. Due to limited information, and based on ACMG/AMP guidelines for variant interpretation (Richards S et al., PMID: 25741868), the clinical significance of this variant is uncertain at this time.

Myriad Genetics, Inc.
Classification: Likely benign for Tuberous sclerosis 2. Last evaluated: 2025-06-03. Review status: criteria provided, single submitter. Criteria: Myriad Autosomal Dominant, Autosomal Recessive and X-Linked Classification Criteria (2023). Collection method: clinical testing. Allele origin: unknown.
Comment: This variant is considered likely benign. This variant has been observed at a population frequency that is significantly greater than expected given the associated disease prevalence and penetrance.

CeGaT Center for Human Genetics Tuebingen
Classification: Likely benign. Last evaluated: 2025-04-01. Review status: criteria provided, single submitter. Criteria: CeGaT Center For Human Genetics Tuebingen Variant Classification Criteria Version 2. Collection method: clinical testing. Allele origin: germline. Affected: yes. Observed: 4 variant alleles.
Comment: TSC2: BP4, BS2

PreventionGenetics, part of Exact Sciences
Classification: Likely benign for TSC2-related condition. Last evaluated: 2024-12-13. Review status: criteria provided, single submitter. Criteria: ACMG Guidelines, 2015. Collection method: clinical testing. Allele origin: germline.
Comment: This variant is classified as likely benign based on ACMG/AMP sequence variant interpretation guidelines (Richards et al. 2015 PMID: 25741868, with internal and published modifications).

St. Jude Molecular Pathology, St. Jude Children's Research Hospital
Classification: Uncertain significance for Tuberous sclerosis 2. Last evaluated: 2024-04-11. Review status: criteria provided, single submitter. Criteria: St. Jude Assertion Criteria 2020. Collection method: clinical testing. Allele origin: germline.
Comment: The TSC2 c.4216G>T (p.Asp1406Tyr) missense change has a maximum subpopulation frequency of 0.006% in gnomAD v2.1.1. The in silico tool REVEL is inconclusive about a pathogenic or benign effect of this variant on protein function, and functional studies have not been performed. This variant has not been reported in individuals with tuberous sclerosis complex. In summary, the evidence currently available is insufficient to determine the clinical significance of this variant. It has therefore been classified as of uncertain significance.

Blueprint Genetics
Classification: Likely benign. Last evaluated: 2023-11-13. Review status: criteria provided, single submitter. Criteria: ACMG Guidelines, 2015. Collection method: clinical testing. Allele origin: germline.

Ambry Genetics
Classification: Likely benign for Hereditary cancer-predisposing syndrome. Last evaluated: 2022-11-16. Review status: criteria provided, single submitter. Criteria: Ambry Variant Classification Scheme 2023. Collection method: clinical testing. Allele origin: germline.

Color Diagnostics, LLC DBA Color Health
Classification: Likely benign for Tuberous sclerosis syndrome. Last evaluated: 2022-10-07. Review status: criteria provided, single submitter. Criteria: ACMG Guidelines, 2015. Collection method: clinical testing. Allele origin: germline.

Genome-Nilou Lab
Classification: Likely benign for Tuberous sclerosis 2. Last evaluated: 2021-11-07. Review status: criteria provided, single submitter. Criteria: ACMG Guidelines, 2015. Collection method: clinical testing. Allele origin: germline. Affected: no.

Sema4
Classification: Uncertain significance for Hereditary cancer-predisposing syndrome. Last evaluated: 2021-09-30. Review status: criteria provided, single submitter. Criteria: Sema4 Curation Guidelines. Collection method: curation. Allele origin: germline.
Comment: The TSC2 c.4216G>T (p.D1406Y) variant has not been reported in individuals with TSC2-related disease, to the best of our knowledge. This variant was observed in 9/272210 chromosomes in the Non-Finnish European population according to the Genome Aggregation Database (PMID: 32461654). The variant has been reported in ClinVar (Variation ID 406008). Functional studies have not been performed, and in silico predictions of the variant's effect on protein function are inconclusive. Based on the current evidence available, this variant is interpreted as a variant of uncertain significance.

GeneDx
Classification: Likely benign. Last evaluated: 2021-06-09. Review status: criteria provided, single submitter. Criteria: GeneDx Variant Classification Process June 2021. Collection method: clinical testing. Allele origin: germline. Affected: yes.
Comment: This variant is associated with the following publications: (PMID: 30842500)

Eurofins Ntd Llc (ga)
Classification: Uncertain significance. Last evaluated: 2016-10-04. Review status: criteria provided, single submitter. Criteria: EGL Classification Definitions 2015. Collection method: clinical testing. Allele origin: germline. Observed: 1 variant allele, 1 heterozygote.